The following is an entry in ClinVar:

NM_018139.3(DNAAF2):c.424T>C (p.Tyr142His)

Gene: DNAAF2 (dynein axonemal assembly factor 2; minus strand). Cytogenetic location: 14q21.3.
Variant type: single nucleotide variant.
Coding change: c.424T>C on transcript NM_018139.3 (MANE Select); coding-DNA position 424, T replaced by C.
Protein change: p.Tyr142His; replaces tyrosine 142 with histidine.
Molecular consequence: missense variant.
Genome position (GRCh38, 1-based): chr14:49,634,726, A>G on the plus strand (T>C on the coding strand, the complement: DNAAF2 is on the minus strand). VCF-style: chr14-49634726-A-G. GRCh37 (hg19) VCF-style: chr14-50101444-A-G.
Other names: c.424T>C, p.Tyr142His (NM_001083908.2); short protein forms Y142H.
Identifiers: ClinVar variation 411168 (VCV000411168.15), dbSNP rs541765275, ClinGen allele CA7173109.

ClinVar aggregate classification (germline): Uncertain significance. Review status: criteria provided, multiple submitters, no conflicts (2 of 4 stars). 2 submissions from 2 submitters: Uncertain significance (2). Last evaluated 2025-04-01.

Conditions:
Primary ciliary dyskinesia. Also called: Ciliary dyskinesia. Identifiers: Orphanet 244, MedGen C0008780, MONDO:0016575, HP:0012265.

Allele frequency attached by ClinVar (database versions not stated): gnomAD exomes 0.00001; gnomAD 0.00002 and 0.00003; ExAC 0.00003; TOPMed 0.00003; 1000 Genomes Project 0.00020; 1000 Genomes Project 30x 0.00031.

Submissions (2):

Ambry Genetics
Classification: Uncertain significance for Primary ciliary dyskinesia. Last evaluated: 2025-04-01. Review status: criteria provided, single submitter. Criteria: Ambry Variant Classification Scheme 2023. Collection method: clinical testing. Allele origin: germline.

Labcorp Genetics (formerly Invitae), Labcorp
Classification: Uncertain significance for Primary ciliary dyskinesia. Last evaluated: 2021-08-27. Review status: criteria provided, single submitter. Criteria: Invitae Variant Classification Sherloc (09022015). Collection method: clinical testing. Allele origin: germline.
Comment: This sequence change replaces tyrosine with histidine at codon 142 of the DNAAF2 protein (p.Tyr142His). The tyrosine residue is moderately conserved and there is a moderate physicochemical difference between tyrosine and histidine. This variant is present in population databases (rs541765275, ExAC 0.03%). This variant has not been reported in the literature in individuals affected with DNAAF2-related conditions. Algorithms developed to predict the effect of missense changes on protein structure and function are either unavailable or do not agree on the potential impact of this missense change (SIFT: "Deleterious"; PolyPhen-2: "Probably Damaging"; Align-GVGD: "Class C0"). In summary, the available evidence is currently insufficient to determine the role of this variant in disease. Therefore, it has been classified as a Variant of Uncertain Significance.